The following is an entry in ClinVar:

ClinVar aggregate classification (germline): Benign/Likely benign. Review status: criteria provided, multiple submitters, no conflicts (2 of 4 stars). 4 submissions from 4 submitters: Benign (1); Likely benign (3). Last evaluated 2025-06-26.

Conditions:
NEXMIF-related disorder. Also called: NEXMIF-related condition.

Allele frequency attached by ClinVar (database versions not stated): TOPMed 0.00007; ESP Exome Variant Server 0.00009; gnomAD 0.00009.
gnomAD v4.1: 114 of 1,209,969 alleles (0.0094%); highest among the groups gnomAD compares: Non-Finnish European, 0.012%; no homozygotes.

Submissions (4):

Women's Health and Genetics/Laboratory Corporation of America, LabCorp
Classification: Likely benign. Last evaluated: 2025-06-26. Review status: criteria provided, single submitter. Criteria: LabCorp Variant Classification Summary - May 2015. Collection method: clinical testing. Allele origin: germline.
Comment: Variant summary: NEXMIF c.2849A>T (p.Tyr950Phe) results in a conservative amino acid change in the encoded protein sequence. Algorithms developed to predict the effect of missense changes on protein structure and function are either unavailable or do not agree on the potential impact of this missense change. The variant allele was found at a frequency of 9.4e-05 in 1209969 control chromosomes, including 34 hemizygotes. This frequency is not significantly higher than estimated for a pathogenic variant in NEXMIF causing Intellectual Developmental Disorder, X-Linked 98. To our knowledge, no occurrence of c.2849A>T in individuals affected with Intellectual Developmental Disorder, X-Linked 98 and no experimental evidence demonstrating its impact on protein function have been reported. ClinVar contains an entry for this variant (Variation ID: 766257). Based on the evidence outlined above, the variant was classified as likely benign.

PreventionGenetics, part of Exact Sciences
Classification: Likely benign for NEXMIF-related condition. Last evaluated: 2025-05-12. Review status: criteria provided, single submitter. Criteria: ACMG Guidelines, 2015. Collection method: clinical testing. Allele origin: germline.
Comment: This variant is classified as likely benign based on ACMG/AMP sequence variant interpretation guidelines (Richards et al. 2015 PMID: 25741868, with internal and published modifications).

Labcorp Genetics (formerly Invitae), Labcorp
Classification: Benign. Last evaluated: 2024-11-18. Review status: criteria provided, single submitter. Criteria: Invitae Variant Classification Sherloc (09022015). Collection method: clinical testing. Allele origin: germline.

CeGaT Center for Human Genetics Tuebingen
Classification: Likely benign. Last evaluated: 2024-11-01. Review status: criteria provided, single submitter. Criteria: CeGaT Center For Human Genetics Tuebingen Variant Classification Criteria Version 2. Collection method: clinical testing. Allele origin: germline. Affected: yes. Observed: 1 variant allele.
Comment: NEXMIF: BS2

NM_001008537.3(NEXMIF):c.2849A>T (p.Tyr950Phe)

Gene: NEXMIF (neurite extension and migration factor; minus strand). Cytogenetic location: Xq13.3.
Variant type: single nucleotide variant.
Coding change: c.2849A>T on transcript NM_001008537.3 (MANE Select); coding-DNA position 2849, A replaced by T.
Protein change: p.Tyr950Phe; replaces tyrosine 950 with phenylalanine.
Molecular consequence: missense variant.
Genome position (GRCh38, 1-based): chrX:74,741,708, T>A on the plus strand (A>T on the coding strand, the complement: NEXMIF is on the minus strand). VCF-style: chrX-74741708-T-A. GRCh37 (hg19) VCF-style: chrX-73961543-T-A.
Other names: short protein forms Y950F.
Identifiers: ClinVar variation 766257 (VCV000766257.24), dbSNP rs373566578, ClinGen allele CA10454999.